The following is an entry in ClinVar:

ClinVar aggregate classification (germline): Pathogenic/Likely pathogenic. Review status: criteria provided, multiple submitters, no conflicts (2 of 4 stars). 3 submissions from 3 submitters: Pathogenic (1); Likely pathogenic (1). 1 of the submissions does not count toward it. Last evaluated 2022-07-26.

Conditions:
Neurofibromatosis, type 1 (NF1). Also called: Peripheral type neurofibromatosis; Neurofibromatosis, type I; VON RECKLINGHAUSEN DISEASE; NEUROFIBROMATOSIS, TYPE I, SOMATIC. Identifiers: Orphanet 636, MedGen C0027831, MONDO:0018975, OMIM 162200. Disease mechanism: loss of function.
Juvenile myelomonocytic leukemia (JMML). Also called: LEUKEMIA, JUVENILE MYELOMONOCYTIC, SOMATIC. Identifiers: Orphanet 86834, MedGen C0349639, MONDO:0011908, OMIM 607785, HP:0012209.

Submissions (3):

Baylor Genetics
Classification: Likely pathogenic for Juvenile myelomonocytic leukemia. Last evaluated: 2022-07-26. Review status: criteria provided, single submitter. Criteria: ACMG Guidelines, 2015. Collection method: clinical testing. Allele origin: unknown.

Labcorp Genetics (formerly Invitae), Labcorp
Classification: Pathogenic for Neurofibromatosis, type 1. Last evaluated: 2020-09-05. Review status: criteria provided, single submitter. Criteria: Invitae Variant Classification Sherloc (09022015). Collection method: clinical testing. Allele origin: germline.
Comment: This sequence change replaces phenylalanine with leucine at codon 1863 of the NF1 protein (p.Phe1863Leu). The phenylalanine residue is moderately conserved and there is a small physicochemical difference between phenylalanine and leucine. This variant is not present in population databases (ExAC no frequency). This missense change has been observed in individual(s) with neurofibromatosis, type 1 (PMID: 27838393, 30308447, 22190595, Invitae). In at least one individual the variant was observed to be de novo. It is also known as p.Phe1884Leu in the literature. Advanced modeling of protein sequence and biophysical properties (such as structural, functional, and spatial information, amino acid conservation, physicochemical variation, residue mobility, and thermodynamic stability) performed at Invitae indicates that this missense variant is expected to disrupt NF1 protein function. For these reasons, this variant has been classified as Pathogenic.

Laboratory of Medical Genetics, National & Kapodistrian University of Athens
Classification: Likely pathogenic for Neurofibromatosis, type 1. Last evaluated: 2019-01-01. Review status: no assertion criteria provided. Collection method: clinical testing. Allele origin: germline. Affected: yes. Not counted in ClinVar's aggregate classification.

Literature cited by the submitters: PubMed 27838393 (cited by Labcorp Genetics (formerly Invitae), Labcorp); PubMed 30308447 (cited by Labcorp Genetics (formerly Invitae), Labcorp); PubMed 22190595 (cited by Labcorp Genetics (formerly Invitae), Labcorp).

NM_001042492.3(NF1):c.5652T>G (p.Phe1884Leu)

Gene: NF1 (neurofibromin 1; plus strand). Cytogenetic location: 17q11.2.
Variant type: single nucleotide variant.
Coding change: c.5652T>G on transcript NM_001042492.3 (MANE Select); coding-DNA position 5652, T replaced by G.
Protein change: p.Phe1884Leu; replaces phenylalanine 1884 with leucine.
Molecular consequence: missense variant.
Genome position (GRCh38, 1-based): chr17:31,330,338, T>G. VCF-style: chr17-31330338-T-G. GRCh37 (hg19) VCF-style: chr17-29657356-T-G.
Other names: c.5589T>G, p.Phe1863Leu (NM_000267.4); short protein forms F1863L, F1884L.
Identifiers: ClinVar variation 1048718 (VCV001048718.7), dbSNP rs1567613616, ClinGen allele CA399010178.